The following is an entry in ClinVar:

ClinVar aggregate classification (germline): Uncertain significance. Review status: criteria provided, multiple submitters, no conflicts (2 of 4 stars). 10 submissions from 10 submitters: Uncertain significance (10). Last evaluated 2026-09-30.

Conditions:
Inborn genetic diseases. Identifiers: MedGen C0950123, MeSH D030342.
Charcot-Marie-Tooth disease. Also called: Charcot-Marie-Tooth Neuropathy; Charcot-Marie-Tooth Hereditary Neuropathy. Identifiers: Orphanet 166, MedGen C0007959, MONDO:0015626.
Charcot-Marie-Tooth disease type 4. Also called: Charcot-Marie-Tooth disease, type IV; Charcot-Marie-Tooth, Type 4. Identifiers: Orphanet 64749, MedGen C4082197, MONDO:0018995.
Charcot-Marie-Tooth disease type 4B2. Also called: CHARCOT-MARIE-TOOTH DISEASE, WITH FOCALLY FOLDED MYELIN SHEATHS, AUTOSOMAL RECESSIVE, TYPE 4B2; CMT 4B2; Charcot-Marie-Tooth Neuropathy Type 4B2; CHARCOT-MARIE-TOOTH DISEASE, DEMYELINATING, TYPE 4B2. Identifiers: Orphanet 99956, MedGen C1858278, MONDO:0011475, OMIM 604563.
SBF2-related disorder. Also called: SBF2-related condition.

Allele frequency attached by ClinVar (database versions not stated): gnomAD 0.00019; ExAC 0.00030; ESP Exome Variant Server 0.00038; TOPMed 0.00038; 1000 Genomes Project 0.00080; 1000 Genomes Project 30x 0.00109.
gnomAD v4.1: 642 of 1,614,136 alleles (0.04%); highest among the groups gnomAD compares: Admixed American, 0.072%; no homozygotes.

Submissions (10):

GeneDx
Classification: Uncertain significance. Last evaluated: 2026-09-30. Review status: criteria provided, single submitter. Criteria: GeneDx Variant Classification Process June 2021. Collection method: clinical testing. Allele origin: germline.
Comment: Reported previously in an individual with a suspected diagnosis of CMT; however, detailed clinical information and segregation details were not provided (PMID: 32376792); In silico analysis supports that this missense variant has a deleterious effect on protein structure/function; This variant is associated with the following publications: (PMID: 32376792)

PreventionGenetics, part of Exact Sciences
Classification: Uncertain significance for SBF2-related condition. Last evaluated: 2026-06-23. Review status: criteria provided, single submitter. Criteria: ACMG Guidelines, 2015. Collection method: clinical testing. Allele origin: germline.
Comment: The SBF2 c.1967G>C variant is predicted to result in the amino acid substitution p.Cys656Ser. This variant has been reported with uncertain significance in an individual with Charcot-Marie-Tooth disease (Supplementary table 2, Volodarsky et al. 2021. PubMed ID: 32376792). This variant is reported in 0.048% of alleles in individuals of Latino descent in gnomAD. Although we suspect that this variant may be benign, at this time, the clinical significance of this variant is uncertain due to the absence of conclusive functional and genetic evidence.

CeGaT Center for Human Genetics Tuebingen
Classification: Uncertain significance. Last evaluated: 2026-02-01. Review status: criteria provided, single submitter. Criteria: CeGaT Center For Human Genetics Tuebingen Variant Classification Criteria Version 2. Collection method: clinical testing. Allele origin: germline. Affected: yes. Observed: 2 variant alleles.
Comment: SBF2: PM2

Women's Health and Genetics/Laboratory Corporation of America, LabCorp
Classification: Uncertain significance. Last evaluated: 2025-09-02. Review status: criteria provided, single submitter. Criteria: LabCorp Variant Classification Summary - May 2015. Collection method: clinical testing. Allele origin: germline.
Comment: Variant summary: SBF2 c.1967G>C (p.Cys656Ser) results in a non-conservative amino acid change in the encoded protein sequence. Algorithms developed to predict the effect of missense changes on protein structure and function are either unavailable or do not agree on the potential impact of this missense change. The variant allele was found at a frequency of 0.00029 in 251390 control chromosomes. This frequency is not significantly higher than estimated for disease-causing variants in SBF2, allowing no conclusion about variant significance. c.1967G>C has been observed in individual(s) affected with Charcot-Marie-Tooth disease, without strong evidence for causality (Volodarsky_2021). These report(s) do not provide unequivocal conclusions about association of the variant with Charcot-Marie-Tooth disease type 4B2. To our knowledge, no experimental evidence demonstrating an impact on protein function has been reported. The following publication has been ascertained in the context of this evaluation (PMID: 32376792). ClinVar contains an entry for this variant (Variation ID: 429748). Based on the evidence outlined above, the variant was classified as uncertain significance.

ARUP Laboratories, Molecular Genetics and Genomics, ARUP Laboratories
Classification: Uncertain significance for Charcot-Marie-Tooth disease type 4B2. Last evaluated: 2023-02-28. Review status: criteria provided, single submitter. Criteria: ARUP Molecular Germline Variant Investigation Process 2024. Collection method: clinical testing. Allele origin: germline.
Comment: The SBF2 c.1967G>C; p.Cys656Ser variant (rs138120231) is reported in the literature in an individual affected with Charcot-Marie-Tooth disease (Volodarsky 2021). This variant is also reported in ClinVar (Variation ID: 429748), and is found in the general population with an overall allele frequency of 0.028% (79/282784 alleles) in the Genome Aggregation Database. Computational analyses are uncertain whether this variant is neutral or deleterious (REVEL: 0.520). Due to limited information, the clinical significance of this variant is uncertain at this time. References: Volodarsky M et al. Comprehensive genetic sequence and copy number analysis for Charcot-Marie-Tooth disease in a Canadian cohort of 2517 patients. J Med Genet. 2021 Apr;58(4):284-288. PMID: 32376792.

Labcorp Genetics (formerly Invitae), Labcorp
Classification: Uncertain significance for Charcot-Marie-Tooth disease type 4. Last evaluated: 2022-08-21. Review status: criteria provided, single submitter. Criteria: Invitae Variant Classification Sherloc (09022015). Collection method: clinical testing. Allele origin: germline.
Comment: This sequence change replaces cysteine, which is neutral and slightly polar, with serine, which is neutral and polar, at codon 656 of the SBF2 protein (p.Cys656Ser). This variant is present in population databases (rs138120231, gnomAD 0.05%). This missense change has been observed in individual(s) with clinical suspicion of Charcot-Marie-Tooth disease (PMID: 32376792). ClinVar contains an entry for this variant (Variation ID: 429748). Algorithms developed to predict the effect of missense changes on protein structure and function are either unavailable or do not agree on the potential impact of this missense change (SIFT: "Tolerated"; PolyPhen-2: "Probably Damaging"; Align-GVGD: "Class C0"). In summary, the available evidence is currently insufficient to determine the role of this variant in disease. Therefore, it has been classified as a Variant of Uncertain Significance.

Ambry Genetics
Classification: Uncertain significance for Inborn genetic diseases. Last evaluated: 2021-11-04. Review status: criteria provided, single submitter. Criteria: Ambry Variant Classification Scheme 2023. Collection method: clinical testing. Allele origin: germline.
Comment: The p.C656S variant (also known as c.1967G>C), located in coding exon 18 of the SBF2 gene, results from a G to C substitution at nucleotide position 1967. The cysteine at codon 656 is replaced by serine, an amino acid with dissimilar properties. This amino acid position is highly conserved in available vertebrate species. In addition, the in silico prediction for this alteration is inconclusive. Since supporting evidence is limited at this time, the clinical significance of this alteration remains unclear.

Fulgent Genetics
Classification: Uncertain significance for Charcot-Marie-Tooth disease type 4B2. Last evaluated: 2018-10-31. Review status: criteria provided, single submitter. Criteria: ACMG Guidelines, 2015. Collection method: clinical testing. Allele origin: unknown.

Athena Diagnostics
Classification: Uncertain significance. Last evaluated: 2016-10-31. Review status: criteria provided, single submitter. Criteria: Athena Diagnostics Criteria. Collection method: clinical testing. Allele origin: germline.

Molecular Genetics Laboratory, London Health Sciences Centre
Classification: Uncertain significance for Charcot-Marie-Tooth disease. Review status: criteria provided, single submitter. Criteria: ACMG Guidelines, 2015. Collection method: clinical testing. Allele origin: germline. Affected: yes.

Literature cited by the submitters: PubMed 32376792 (cited by Women's Health and Genetics/Laboratory Corporation of America, LabCorp and Labcorp Genetics (formerly Invitae), Labcorp).

NM_030962.4(SBF2):c.1967G>C (p.Cys656Ser)

Genes: SBF2 (SET binding factor 2; minus strand), LOC101928008 (uncharacterized LOC101928008; plus strand). Cytogenetic location: 11p15.4.
Variant type: single nucleotide variant.
Coding change: c.1967G>C on transcript NM_030962.4 (MANE Select); coding-DNA position 1967, G replaced by C.
Protein change: p.Cys656Ser; replaces cysteine 656 with serine.
Molecular consequence: missense variant.
Genome position (GRCh38, 1-based): chr11:9,858,359, C>G on the plus strand (G>C on the coding strand, the complement: SBF2 is on the minus strand). VCF-style: chr11-9858359-C-G. GRCh37 (hg19) VCF-style: chr11-9879906-C-G.
Other names: c.1967G>C, p.Cys656Ser (NM_001386339.1); c.1838G>C, p.Cys613Ser (NM_001386342.1); short protein forms C656S, C613S.
Identifiers: ClinVar variation 429748 (VCV000429748.52), dbSNP rs138120231, ClinGen allele CA5881669.